The following is an entry in ClinVar:

ClinVar aggregate classification (germline): Likely pathogenic (1 of 4 stars; one submission).

Conditions:
Neuronal ceroid lipofuscinosis 2. Also called: TPP1-Related Neuronal Ceroid-Lipofuscinosis; JANSKY-BIELSCHOWSKY DISEASE NEURONAL CEROID LIPOFUSCINOSIS, LATE INFANTILE. Identifiers: Orphanet 168491, Orphanet 228349, Orphanet 79264, MedGen C1876161, MONDO:0008769, OMIM 204500.

Submission:

Myriad Genetics, Inc.
Classification: Likely pathogenic for Neuronal ceroid lipofuscinosis 2. Last evaluated: 2022-01-27. Review status: criteria provided, single submitter. Criteria: Myriad Women's Health Autosomal Recessive and X-Linked Classification Criteria (2021). Collection method: clinical testing. Allele origin: unknown.
Comment: NM_000391.3(TPP1):c.1213_1214delGAinsT(D405Sfs*22) is expected to be pathogenic in the context of TPP1-related neuronal ceroid lipofuscinosis. This variant is predicted to lead to an abnormal or absent protein product due to the creation of a premature termination codon in TPP1, a gene where loss-of-function variants are known to be pathogenic. Please note: this variant was assessed in the context of healthy population screening.

NM_000391.4(TPP1):c.1213_1214delinsT (p.Asp405fs)

Gene: TPP1 (tripeptidyl peptidase 1; minus strand). Cytogenetic location: 11p15.4.
Variant type: Indel.
Coding change: c.1213_1214delinsT on transcript NM_000391.4 (MANE Select); coding-DNA positions 1213 to 1214, GA replaced by T.
Protein change: p.Asp405fs; shifts the reading frame from aspartic acid 405.
Molecular consequence: frameshift variant.
Genome position (GRCh38, 1-based): chr11:6,615,494-6,615,495, TC replaced by A on the plus strand (GA replaced by T on the coding strand, the reverse complement: TPP1 is on the minus strand). VCF-style: chr11-6615494-TC-A. GRCh37 (hg19) VCF-style: chr11-6636725-TC-A.
Other names: short protein forms D405fs.
Identifiers: ClinVar variation 1724134 (VCV001724134.2), dbSNP rs2493796924, ClinGen allele CA2580084004.